The following is an entry in ClinVar:

ClinVar aggregate classification (germline): Uncertain significance (1 of 4 stars; one submission).

Conditions:
Inborn genetic diseases. Identifiers: MedGen C0950123, MeSH D030342.

Submission:

Ambry Genetics
Classification: Uncertain significance for Inborn genetic diseases. Last evaluated: 2024-12-27. Review status: criteria provided, single submitter. Criteria: Ambry Variant Classification Scheme 2023. Collection method: clinical testing. Allele origin: germline.
Comment: The p.M538V variant (also known as c.1612A>G), located in coding exon 1 of the SAMD9L gene, results from an A to G substitution at nucleotide position 1612. The methionine at codon 538 is replaced by valine, an amino acid with highly similar properties. This amino acid position is conserved. In addition, this alteration is predicted to be tolerated by in silico analysis. Based on the available evidence, the clinical significance of this variant remains unclear.

NM_152703.5(SAMD9L):c.1612A>G (p.Met538Val)

Gene: SAMD9L (sterile alpha motif domain containing 9 like; minus strand). Cytogenetic location: 7q21.2.
Variant type: single nucleotide variant.
Coding change: c.1612A>G on transcript NM_152703.5 (MANE Select); coding-DNA position 1612, A replaced by G.
Protein change: p.Met538Val; replaces methionine 538 with valine.
Molecular consequence: missense variant.
Genome position (GRCh38, 1-based): chr7:93,134,360, T>C on the plus strand (A>G on the coding strand, the complement: SAMD9L is on the minus strand). VCF-style: chr7-93134360-T-C. GRCh37 (hg19) VCF-style: chr7-92763673-T-C.
Other names: c.1612A>G, p.Met538Val (NM_001303496.3, NM_001303497.3, NM_001303498.3 and 5 more transcripts); short protein forms M538V.
Identifiers: ClinVar variation 3792253 (VCV003792253.1).